The following is an entry in ClinVar:

ClinVar aggregate classification (germline): Uncertain significance (1 of 4 stars; one submission).

Conditions:
Glycogen storage disease, type II (IOPD). Also called: Pompe Disease; CARDIOMEGALIA GLYCOGENICA DIFFUSA; GLYCOGENOSIS, GENERALIZED, CARDIAC FORM; GSD II; POMPE DISEASE, INFANTILE-ONSET; GLYCOGEN STORAGE DISEASE II, INFANTILE-ONSET. Identifiers: Orphanet 365, MedGen C0017921, MONDO:0009290, OMIM 232300.

Submission:

Genomenon, Inc
Classification: Uncertain significance for Glycogen storage disease, type II. Last evaluated: 2026-07-01. Review status: criteria provided, single submitter. Criteria: Genomenon Sequence Variant Interpretation Standards - Updated. Collection method: curation. Allele origin: germline. Affected: yes.
Comment: GAA c.1195-11T>A is an intronic variant located in the acceptor splice region of intron 7. This variant has been observed in at least one proband with a GAA-related disorder in the compound heterozygous and/or homozygous state (PMID:32776513). At least one splicing study has demonstrated that this variant results in aberrant splicing (PMID:32776513). It is absent or not present at a significant frequency in gnomAD. In conclusion, we classify GAA c.1195-11T>A as a variant of uncertain significance.

Literature cited by the submitters: PubMed 32776513.

NM_000152.5(GAA):c.1195-11T>A

Gene: GAA (alpha glucosidase; plus strand). Cytogenetic location: 17q25.3.
Variant type: single nucleotide variant.
Coding change: c.1195-11T>A on transcript NM_000152.5 (MANE Select); 11 bases into the intron before coding-DNA position 1195, T replaced by A.
Molecular consequence: intron variant.
Genome position (GRCh38, 1-based): chr17:80,108,686, T>A. VCF-style: chr17-80108686-T-A. GRCh37 (hg19) VCF-style: chr17-78082485-T-A.
Other names: c.1195-11T>A (NM_001079804.3, NM_001406741.1, NM_001406742.1 and 1 more transcripts).
Identifiers: ClinVar variation 4876525 (VCV004876525.1).